The following is an entry in ClinVar:

ClinVar aggregate classification (germline): Uncertain significance (1 of 4 stars; one submission).

Submission:

GeneDx
Classification: Uncertain significance. Last evaluated: 2024-08-02. Review status: criteria provided, single submitter. Criteria: GeneDx Variant Classification Process June 2021. Collection method: clinical testing. Allele origin: germline. Affected: yes.
Comment: Not observed at significant frequency in large population cohorts (gnomAD); In silico analysis supports that this missense variant has a deleterious effect on protein structure/function; Has not been previously published as pathogenic or benign to our knowledge

NM_003052.5(SLC34A1):c.1579C>T (p.Pro527Ser)

Gene: SLC34A1 (solute carrier family 34 member 1; plus strand). Cytogenetic location: 5q35.3.
Variant type: single nucleotide variant.
Coding change: c.1579C>T on transcript NM_003052.5 (MANE Select); coding-DNA position 1579, C replaced by T.
Protein change: p.Pro527Ser; replaces proline 527 with serine.
Molecular consequence: missense variant.
Genome position (GRCh38, 1-based): chr5:177,397,945, C>T. VCF-style: chr5-177397945-C-T. GRCh37 (hg19) VCF-style: chr5-176824946-C-T.
Other names: short protein forms P527S.
Identifiers: ClinVar variation 3602173 (VCV003602173.1).